The following is an entry in ClinVar:

NM_004333.6(BRAF):c.2155C>T (p.Arg719Cys)

Gene: BRAF (B-Raf proto-oncogene, serine/threonine kinase; minus strand). Cytogenetic location: 7q34.
Variant type: single nucleotide variant.
Coding change: c.2155C>T on transcript NM_004333.6 (MANE Select); coding-DNA position 2155, C replaced by T.
Protein change: p.Arg719Cys; replaces arginine 719 with cysteine.
Molecular consequence: missense variant. On other transcripts: intron variant (2).
Genome position (GRCh38, 1-based): chr7:140,734,743, G>A on the plus strand (C>T on the coding strand, the complement: BRAF is on the minus strand). VCF-style: chr7-140734743-G-A. GRCh37 (hg19) VCF-style: chr7-140434543-G-A.
Other names: c.2155C>T, p.Arg719Cys (NM_001354609.2); c.2275C>T, p.Arg759Cys (NM_001374244.1, NM_001374258.1); c.2164C>T, p.Arg722Cys (NM_001378467.1); c.2089C>T, p.Arg697Cys (NM_001378469.1); c.2053C>T, p.Arg685Cys (NM_001378470.1); c.2044C>T, p.Arg682Cys (NM_001378471.1); c.1999C>T, p.Arg667Cys (NM_001378472.1, NM_001378473.1); c.1891C>T, p.Arg631Cys (NM_001378475.1); and 1 more; short protein forms R719C, R759C, R631C, R667C, R682C, R685C, R697C, R722C.
Identifiers: ClinVar variation 2167505 (VCV002167505.4), dbSNP rs397507487, ClinGen allele CA282009.

ClinVar aggregate classification (germline): Uncertain significance (1 of 4 stars; one submission).

Conditions:
RASopathy. Also called: rasopathies; Noonan spectrum disorder. Identifiers: Orphanet 536391, MedGen C5555857, MONDO:0021060.

Allele frequency attached by ClinVar (database versions not stated): gnomAD exomes below 0.00001; gnomAD 0.00001.
gnomAD v4.1: 7 of 1,605,466 alleles (0.00044%); highest among the groups gnomAD compares: South Asian, 0.0011%; no homozygotes.

Submission:

Labcorp Genetics (formerly Invitae), Labcorp
Classification: Uncertain significance for RASopathy. Last evaluated: 2025-05-05. Review status: criteria provided, single submitter. Criteria: Invitae Variant Classification Sherloc (09022015). Collection method: clinical testing. Allele origin: germline.
Comment: This sequence change replaces arginine, which is basic and polar, with cysteine, which is neutral and slightly polar, at codon 719 of the BRAF protein (p.Arg719Cys). This variant is not present in population databases (gnomAD no frequency). This variant has not been reported in the literature in individuals affected with BRAF-related conditions. ClinVar contains an entry for this variant (Variation ID: 2167505). Invitae Evidence Modeling of protein sequence and biophysical properties (such as structural, functional, and spatial information, amino acid conservation, physicochemical variation, residue mobility, and thermodynamic stability) indicates that this missense variant is expected to disrupt BRAF protein function with a positive predictive value of 95%. In summary, the available evidence is currently insufficient to determine the role of this variant in disease. Therefore, it has been classified as a Variant of Uncertain Significance.